The following is an entry in ClinVar:

NM_001387850.1(FILIP1L):c.2235C>T (p.Val745=)

Genes: CMSS1 (cms1 ribosomal small subunit homolog; plus strand), FILIP1L (filamin A interacting protein 1 like; minus strand), LOC105374010 (uncharacterized LOC105374010; plus strand). Cytogenetic location: 3q12.1.
Variant type: single nucleotide variant.
Coding change: c.2235C>T on transcript NM_001387850.1 (MANE Select); coding-DNA position 2235, C replaced by T.
Protein change: p.Val745=; no amino-acid change (valine 745 retained).
Molecular consequence: synonymous variant. On other transcripts: intron variant (2).
Genome position (GRCh38, 1-based): chr3:99,849,441, G>A on the plus strand (C>T on the coding strand, the complement: FILIP1L is on the minus strand). VCF-style: chr3-99849441-G-A. GRCh37 (hg19) VCF-style: chr3-99568285-G-A.
Other names: c.2235C>T, p.Val745= (NM_001042459.3, NM_182909.4); c.963C>T, p.Val321= (NM_001282793.2); c.1515C>T, p.Val505= (NM_001282794.2, NM_001370247.1, NM_001387851.1 and 1 more transcripts); c.64+31398G>A (NM_032359.4); c.606-18836C>T (NM_001387852.1).
Identifiers: ClinVar variation 3053506 (VCV003053506.2), dbSNP rs13353487, ClinGen allele CA2513470.

ClinVar aggregate classification (germline): Benign (0 of 4 stars; one submission).

Conditions:
FILIP1L-related disorder. Also called: FILIP1L-related condition.

Allele frequency attached by ClinVar (database versions not stated): gnomAD exomes 0.00043; ExAC 0.00142; ESP Exome Variant Server 0.00462; 1000 Genomes Project 0.00499; gnomAD 0.00505; 1000 Genomes Project 30x 0.00515; TOPMed 0.00547.
gnomAD v4.1: 1,433 of 1,613,906 alleles (0.089%); highest among the groups gnomAD compares: African/African-American, 1.7%; 10 homozygotes.

Submission:

PreventionGenetics, part of Exact Sciences
Classification: Benign for FILIP1L-related condition. Last evaluated: 2019-10-01. Review status: no assertion criteria provided. Collection method: clinical testing. Allele origin: germline.
Comment: This variant is classified as benign based on ACMG/AMP sequence variant interpretation guidelines (Richards et al. 2015 PMID: 25741868, with internal and published modifications).